The following is an entry in ClinVar:

ClinVar aggregate classification (germline): Uncertain significance (1 of 4 stars; one submission).

Conditions:
Primary dilated cardiomyopathy (DCM). Also called: Dilated Cardiomyopathy. Identifiers: Orphanet 217604, MedGen C0007193, MeSH D002311, MONDO:0005021, HP:0001644. Inheritance: Various modes of inheritance.

Submission:

Labcorp Genetics (formerly Invitae), Labcorp
Classification: Uncertain significance for Primary dilated cardiomyopathy. Last evaluated: 2022-08-22. Review status: criteria provided, single submitter. Criteria: Invitae Variant Classification Sherloc (09022015). Collection method: clinical testing. Allele origin: germline.
Comment: This sequence change falls in intron 1 of the TXNRD2 gene. It does not directly change the encoded amino acid sequence of the TXNRD2 protein. In summary, the available evidence is currently insufficient to determine the role of this variant in disease. Therefore, it has been classified as a Variant of Uncertain Significance. Algorithms developed to predict the effect of sequence changes on RNA splicing suggest that this variant may create or strengthen a splice site. This variant has not been reported in the literature in individuals affected with TXNRD2-related conditions. This variant is not present in population databases (gnomAD no frequency).

NM_006440.5(TXNRD2):c.104-14A>T

Gene: TXNRD2 (thioredoxin reductase 2; minus strand). Cytogenetic location: 22q11.21.
Variant type: single nucleotide variant.
Coding change: c.104-14A>T on transcript NM_006440.5 (MANE Select); 14 bases into the intron before coding-DNA position 104, A replaced by T.
Molecular consequence: intron variant.
Genome position (GRCh38, 1-based): chr22:19,931,112, T>A on the plus strand (A>T on the coding strand, the complement: TXNRD2 is on the minus strand). VCF-style: chr22-19931112-T-A. GRCh37 (hg19) VCF-style: chr22-19918635-T-A.
Other names: c.104-17A>T (NM_001352300.2); c.-185-14A>T (NM_001352302.2); c.14-14A>T (NM_001352301.2); c.104-14A>T (NM_001282512.3); c.8-14A>T (NM_001352303.2).
Identifiers: ClinVar variation 2026417 (VCV002026417.4), dbSNP rs2517422075, ClinGen allele CA2580099124.
Genomic context (GRCh38, chr22:19,931,112, plus strand): 5'-ACCAGATCCCCCGCCGACCACCAGGAGATCATAGTCCCGCTGACCTGCTGAGAGAAGGGA[T>A]GAGAGGTGGGACGGACTGTCTGTCTGGTTAAACGTGGTACAGGATCAATTTTATCAGGAT-3'